The following is an entry in ClinVar:

NM_014112.5(TRPS1):c.2854_2855del (p.Asn952fs)

Gene: TRPS1 (transcriptional repressor GATA binding 1; minus strand). Cytogenetic location: 8q23.3.
Variant type: Deletion.
Coding change: c.2854_2855del on transcript NM_014112.5 (MANE Select); coding-DNA positions 2854 to 2855, 2 bases deleted (AA; older notation c.2854_2855delAA).
Protein change: p.Asn952fs; shifts the reading frame from asparagine 952.
Molecular consequence: frameshift variant.
Genome position (GRCh38, 1-based): chr8:115,415,053-115,415,054, TT deleted on the plus strand (AA on the coding strand, the reverse complement: TRPS1 is on the minus strand); deleting any 2 consecutive bases within chr8:115,415,053-115,415,056 gives the same sequence; the c. name uses the placement nearest the transcript's 3' end. VCF-style (leftmost placement, unchanged base first): chr8-115415052-GTT-G. GRCh37 (hg19) VCF-style: chr8-116427280-GTT-G.
Other names: c.2827_2828del, p.Asn943fs (NM_001282902.3); c.2833_2834del, p.Asn945fs (NM_001282903.3); c.2815_2816del, p.Asn939fs (NM_001330599.2); short protein forms N939fs, N943fs, N945fs, N952fs.
Identifiers: ClinVar variation 4531307 (VCV004531307.1).

ClinVar aggregate classification (germline): Likely pathogenic (1 of 4 stars; one submission).

Conditions:
Trichorhinophalangeal dysplasia type I (TRPS1). Also called: TRICHORHINOPHALANGEAL SYNDROME, TYPE I; TRPS I. Identifiers: Orphanet 77258, MedGen C0432233, MONDO:0008596, OMIM 190350.

Submission:

Department of Pediatric Genetics, University of Health Sciences, Ankara Bilkent City Children’s Hospital
Classification: Likely pathogenic for Trichorhinophalangeal dysplasia type I. Last evaluated: 2025-11-20. Review status: criteria provided, single submitter. Criteria: ACMG Guidelines, 2015. Collection method: clinical testing. Allele origin: de novo. Affected: yes.
Comment: The c.2854_2855del variant in the TRPS1 gene (NM_014112.5) is a frameshift located in exon 7 and has not been previously reported in ClinVar. This variant is predicted to result in loss of function due to a truncated or absent protein (PVS1). The allele frequency of this variant is not reported, and it is absent from population databases such as gnomAD (PM2). In summary, this variant meets the criteria to be classified as likely pathogenic for Trichorhinophalangeal syndrome type I (OMIM #190350), based on the ACMG guidelines (Richards et al., 2015), with supporting evidence from criteria PVS1, PM2.